The following is an entry in ClinVar:

NM_001363711.2(DUOX2):c.618dup (p.Pro207fs)

Gene: DUOX2 (dual oxidase 2; minus strand). Cytogenetic location: 15q21.1.
Variant type: Duplication.
Coding change: c.618dup on transcript NM_001363711.2 (MANE Select); coding-DNA position 618, one base duplicated (G; older notation c.618dupG).
Protein change: p.Pro207fs; shifts the reading frame from proline 207.
Molecular consequence: frameshift variant.
Genome position (GRCh38, 1-based): chr15:45,111,481, C duplicated on the plus strand (G on the coding strand, the reverse complement: DUOX2 is on the minus strand); the first of 4 consecutive C bases (chr15:45,111,481-45,111,484); duplicating any one gives the same sequence. VCF-style (leftmost placement, unchanged base first): chr15-45111480-G-GC. GRCh37 (hg19) VCF-style: chr15-45403678-G-GC.
Other names: c.618dupG (NM_014080.4); c.618dup, p.Pro207fs (NM_014080.5); short protein forms P207fs.
Identifiers: ClinVar variation 3031356 (VCV003031356.15), dbSNP rs772809435, ClinGen allele CA7538887.

ClinVar aggregate classification (germline): Pathogenic. Review status: criteria provided, multiple submitters, no conflicts (2 of 4 stars). 3 submissions from 3 submitters: Pathogenic (3). Last evaluated 2026-09-10.

Conditions:
Congenital hypothyroidism. Identifiers: Orphanet 442, MedGen C0010308, MONDO:0018612, HP:0000851.
DUOX2-related disorder. Also called: DUOX2-related condition.

Submissions (3):

PreventionGenetics, part of Exact Sciences
Classification: Pathogenic for DUOX2-related condition. Last evaluated: 2026-09-10. Review status: criteria provided, single submitter. Criteria: ACMG Guidelines, 2015. Collection method: clinical testing. Allele origin: germline.
Comment: The DUOX2 c.618dupG variant is predicted to result in a frameshift and premature protein termination (p.Pro207Alafs*94). To our knowledge, this variant has not been reported in individuals with DUOX2-related disease in the literature. This variant is reported in 0.048% of alleles in individuals of South Asian descent in gnomAD. Frameshift variants in DUOX2 are expected to be pathogenic. This variant is interpreted as pathogenic.

CeGaT Center for Human Genetics Tuebingen
Classification: Pathogenic. Last evaluated: 2025-07-01. Review status: criteria provided, single submitter. Criteria: CeGaT Center For Human Genetics Tuebingen Variant Classification Criteria Version 2. Collection method: clinical testing. Allele origin: germline. Affected: yes. Observed: 3 variant alleles.
Comment: DUOX2: PVS1, PM2, PM3:Supporting

Cambridge Genomics Laboratory, East Genomic Laboratory Hub, NHS Genomic Medicine Service
Classification: Pathogenic for Congenital hypothyroidism. Last evaluated: 2024-01-31. Review status: criteria provided, single submitter. Criteria: ACGS Best Practice Guidelines for Variant Classification in Rare Disease 2020. Collection method: clinical testing. Allele origin: germline. Affected: yes.
Comment: The p.Pro207Alafs*94 variant is novel (not in any individuals) in 1kG All. (PM2 - Moderate) | This variant is a frameshift variant which occurs in an exon of DUOX2 upstream of where nonsense mediated decay is predicted to occur. There are 77 downstream pathogenic loss of function variants, with the furthest variant being 1301 residues downstream of this variant. This indicates that the region is critical to protein function. The p.Pro207Alafs*94 variant is a loss of function variant in the gene DUOX2, which is intolerant of Loss of Function variants, as indicated by the presence of existing pathogenic loss of function variant NP_054799.4:p.E7Afs*34 and 42 others. (PVS1 - Very Strong)